The following is an entry in ClinVar:

NM_006005.3(WFS1):c.212G>T (p.Arg71Leu)

Gene: WFS1 (wolframin ER transmembrane glycoprotein; plus strand). Cytogenetic location: 4p16.1.
Variant type: single nucleotide variant.
Coding change: c.212G>T on transcript NM_006005.3 (MANE Select); coding-DNA position 212, G replaced by T.
Protein change: p.Arg71Leu; replaces arginine 71 with leucine.
Molecular consequence: missense variant.
Genome position (GRCh38, 1-based): chr4:6,277,667, G>T. VCF-style: chr4-6277667-G-T. GRCh37 (hg19) VCF-style: chr4-6279394-G-T.
Other names: c.212G>T, p.Arg71Leu (NM_001145853.1); short protein forms R71L.
Identifiers: ClinVar variation 3706581 (VCV003706581.2).
Genomic context (GRCh38, chr4:6,277,667, plus strand): 5'-GCCCTGGTGTTAGAGACGCAGCGGCCCCCGCTGAACCCCAGGCCCAGCATACCAGGAGCC[G>T]GGAAAGAGCAGACGGCACCGGTAAGGGAGCAGGCTGGGAAGCCCAGGCTGGGGATGTTCA-3'
Protein context (NP_005996.2, residues 61-81): AEPQAQHTRS[Arg71Leu]ERADGTGPTK

ClinVar aggregate classification (germline): Uncertain significance (1 of 4 stars; one submission).

gnomAD v4.1: 20 of 1,562,930 alleles (0.0013%); highest among the groups gnomAD compares: Non-Finnish European, 0.0016%; no homozygotes.

Submission:

Labcorp Genetics (formerly Invitae), Labcorp
Classification: Uncertain significance. Last evaluated: 2024-12-19. Review status: criteria provided, single submitter. Criteria: Invitae Variant Classification Sherloc (09022015). Collection method: clinical testing. Allele origin: germline.
Comment: This sequence change replaces arginine, which is basic and polar, with leucine, which is neutral and non-polar, at codon 71 of the WFS1 protein (p.Arg71Leu). This variant is not present in population databases (gnomAD no frequency). This variant has not been reported in the literature in individuals affected with WFS1-related conditions. Invitae Evidence Modeling of protein sequence and biophysical properties (such as structural, functional, and spatial information, amino acid conservation, physicochemical variation, residue mobility, and thermodynamic stability) indicates that this missense variant is not expected to disrupt WFS1 protein function with a negative predictive value of 80%. In summary, the available evidence is currently insufficient to determine the role of this variant in disease. Therefore, it has been classified as a Variant of Uncertain Significance.